The following is an entry in ClinVar:

NM_002076.4(GNS):c.215C>G (p.Ala72Gly)

Gene: GNS (glucosamine (N-acetyl)-6-sulfatase; minus strand). Cytogenetic location: 12q14.3.
Variant type: single nucleotide variant.
Coding change: c.215C>G on transcript NM_002076.4 (MANE Select); coding-DNA position 215, C replaced by G.
Protein change: p.Ala72Gly; replaces alanine 72 with glycine.
Molecular consequence: missense variant.
Genome position (GRCh38, 1-based): chr12:64,752,735, G>C on the plus strand (C>G on the coding strand, the complement: GNS is on the minus strand). VCF-style: chr12-64752735-G-C. GRCh37 (hg19) VCF-style: chr12-65146515-G-C.
Other names: short protein forms A72G.
Identifiers: ClinVar variation 2191839 (VCV002191839.1), dbSNP rs780411862, ClinGen allele CA6670011.

ClinVar aggregate classification (germline): Uncertain significance (1 of 4 stars; one submission).

Conditions:
Mucopolysaccharidosis, MPS-III-D (MPS3D). Also called: N-ACETYLGLUCOSAMINE-6-SULFATASE DEFICIENCY; SANFILIPPO SYNDROME D; MPS III D; Mucopoly-saccharidosis type 3D; N-acetylglucosamine-6-sulfate sulfatase deficiency; MPS 3D. Identifiers: Orphanet 581, Orphanet 79272, MedGen C0086650, MONDO:0009658, OMIM 252940.

Allele frequency attached by ClinVar (database versions not stated): gnomAD exomes 0.00004; gnomAD 0.00001; ExAC 0.00004; TOPMed below 0.00001.
gnomAD v4.1: 58 of 1,538,368 alleles (0.0038%); highest among the groups gnomAD compares: South Asian, 0.064%; 1 homozygote.

Submission:

Labcorp Genetics (formerly Invitae), Labcorp
Classification: Uncertain significance for Mucopolysaccharidosis, MPS-III-D. Last evaluated: 2022-08-08. Review status: criteria provided, single submitter. Criteria: Invitae Variant Classification Sherloc (09022015). Collection method: clinical testing. Allele origin: germline.
Comment: This sequence change replaces alanine, which is neutral and non-polar, with glycine, which is neutral and non-polar, at codon 72 of the GNS protein (p.Ala72Gly). This variant is present in population databases (rs780411862, gnomAD 0.05%). This variant has not been reported in the literature in individuals affected with GNS-related conditions. Algorithms developed to predict the effect of missense changes on protein structure and function (SIFT, PolyPhen-2, Align-GVGD) all suggest that this variant is likely to be tolerated. In summary, the available evidence is currently insufficient to determine the role of this variant in disease. Therefore, it has been classified as a Variant of Uncertain Significance.